The following is an entry in ClinVar:

ClinVar aggregate classification (germline): Uncertain significance. Review status: criteria provided, multiple submitters, no conflicts (2 of 4 stars). 2 submissions from 2 submitters: Uncertain significance (2). Last evaluated 2024-07-15.

Submissions (2):

Dasa
Classification: Uncertain significance. Last evaluated: 2024-07-15. Review status: criteria provided, single submitter. Criteria: DASA Assertion Criteria. Collection method: clinical testing. Allele origin: germline.
Comment: NM_006946.4(SPTBN2):c.541G>A (p.Ala181Thr) is a missense variant that results in the substitution of alanine with threonine. This variant is absent from population databases. Computational prediction algorithms are consistent with a deleterious effect. The currently available literature and clinical evidence are not sufficient to establish a definitive association between this variant and the reported condition. Therefore, this variant is classified as a variant of uncertain significance.

CeGaT Center for Human Genetics Tuebingen
Classification: Uncertain significance. Last evaluated: 2023-07-01. Review status: criteria provided, single submitter. Criteria: CeGaT Center For Human Genetics Tuebingen Variant Classification Criteria Version 2. Collection method: clinical testing. Allele origin: germline. Affected: yes. Observed: 1 variant allele.
Comment: SPTBN2: PM2, PM5, PP3

NM_006946.4(SPTBN2):c.541G>A (p.Ala181Thr)

Gene: SPTBN2 (spectrin beta, non-erythrocytic 2; minus strand). Cytogenetic location: 11q13.2.
Variant type: single nucleotide variant.
Coding change: c.541G>A on transcript NM_006946.4 (MANE Select); coding-DNA position 541, G replaced by A.
Protein change: p.Ala181Thr; replaces alanine 181 with threonine.
Molecular consequence: missense variant.
Genome position (GRCh38, 1-based): chr11:66,714,350, C>T on the plus strand (G>A on the coding strand, the complement: SPTBN2 is on the minus strand). VCF-style: chr11-66714350-C-T. GRCh37 (hg19) VCF-style: chr11-66481821-C-T.
Other names: c.562G>A, p.Ala188Thr (NM_001411025.1); short protein forms A181T, A188T.
Identifiers: ClinVar variation 2578661 (VCV002578661.27), dbSNP rs2496528788, ClinGen allele CA381483396.
Genomic context (GRCh38, chr11:66,714,350, plus strand): 5'-GTGCCACACGCCCAGGGTGTCCTCACCCTGCAGTCTTCATCTGGCACCACAGAAGCAGGG[C>T]ATCCTTGGCTGACTTCTTCTCCTTGTTGTCTTCTGTCTCCACACTGATGTCTTGGATCTA-3'
Protein context (NP_008877.2, residues 171-191): DNKEKKSAKD[Ala181Thr]LLLWCQMKTA